The following is an entry in ClinVar:

ClinVar aggregate classification (germline): Uncertain significance (1 of 4 stars; one submission).

Conditions:
Nemaline myopathy 2 (NEM2). Also called: Nemaline myopathy 2, autosomal recessive. Identifiers: MedGen C1850569, MONDO:0009725, OMIM 256030.

Submission:

Labcorp Genetics (formerly Invitae), Labcorp
Classification: Uncertain significance for Nemaline myopathy 2. Last evaluated: 2022-03-01. Review status: criteria provided, single submitter. Criteria: Invitae Variant Classification Sherloc (09022015). Collection method: clinical testing. Allele origin: germline.
Comment: This sequence change replaces threonine, which is neutral and polar, with alanine, which is neutral and non-polar, at codon 7363 of the NEB protein (p.Thr7363Ala). This variant is not present in population databases (gnomAD no frequency). This variant has not been reported in the literature in individuals affected with NEB-related conditions. Algorithms developed to predict the effect of missense changes on protein structure and function are either unavailable or do not agree on the potential impact of this missense change (SIFT: "Deleterious"; PolyPhen-2: "Not Available"; Align-GVGD: "Class C0"). In summary, the available evidence is currently insufficient to determine the role of this variant in disease. Therefore, it has been classified as a Variant of Uncertain Significance.

NM_001164508.2(NEB):c.21982A>G (p.Thr7328Ala)

Genes: NEB (nebulin; minus strand), RIF1 (replication timing regulatory factor 1; plus strand). Cytogenetic location: 2q23.3.
Variant type: single nucleotide variant.
Coding change: c.21982A>G on transcript NM_001164508.2 (MANE Select); coding-DNA position 21982, A replaced by G.
Protein change: p.Thr7328Ala; replaces threonine 7328 with alanine.
Molecular consequence: missense variant.
Genome position (GRCh38, 1-based): chr2:151,526,226, T>C on the plus strand (A>G on the coding strand, the complement: NEB is on the minus strand). VCF-style: chr2-151526226-T-C. GRCh37 (hg19) VCF-style: chr2-152382740-T-C.
Other names: c.21982A>G, p.Thr7328Ala (NM_001164507.2); c.22087A>G, p.Thr7363Ala (NM_001271208.2); c.16879A>G, p.Thr5627Ala (NM_004543.5); short protein forms T7328A, T7363A, T5627A.
Identifiers: ClinVar variation 1943709 (VCV001943709.2), dbSNP rs76664802, ClinGen allele CA348767019.